The following is an entry in ClinVar:

NM_000781.3(CYP11A1):c.1378C>T (p.Arg460Trp)

Gene: CYP11A1 (cytochrome P450 family 11 subfamily A member 1; minus strand). Cytogenetic location: 15q24.1.
Variant type: single nucleotide variant.
Coding change: c.1378C>T on transcript NM_000781.3 (MANE Select); coding-DNA position 1378, C replaced by T.
Protein change: p.Arg460Trp; replaces arginine 460 with tryptophan.
Molecular consequence: missense variant.
Genome position (GRCh38, 1-based): chr15:74,338,627, G>A on the plus strand (C>T on the coding strand, the complement: CYP11A1 is on the minus strand). VCF-style: chr15-74338627-G-A. GRCh37 (hg19) VCF-style: chr15-74630968-G-A.
Other names: c.904C>T, p.Arg302Trp (NM_001099773.2); short protein forms R460W, R302W.
Identifiers: ClinVar variation 2915494 (VCV002915494.5), dbSNP rs535782968, ClinGen allele CA7656282.

ClinVar aggregate classification (germline): Conflicting classifications of pathogenicity. Review status: criteria provided, conflicting classifications (1 of 4 stars). 3 submissions from 3 submitters: Likely pathogenic (2); Uncertain significance (1). Last evaluated 2026-04-20.

Conditions:
Congenital adrenal insufficiency with 46, XY sex reversal OR 46,XY disorder of sex development-adrenal insufficiency due to CYP11A1 deficiency. Also called: Congenital adrenal insuffiency with 46, XY sex reversal OR 46,XY disorder of sex development-adrenal insufficiency due to CYP11A1 deficiency; P450scc DEFICIENCY. Identifiers: Orphanet 168558, MedGen C3151055, MONDO:0013400, OMIM 613743.

Allele frequency attached by ClinVar (database versions not stated): ExAC 0.00001; gnomAD exomes 0.00001; TOPMed 0.00001; gnomAD 0.00002.
gnomAD v4.1: 23 of 1,614,018 alleles (0.0014%); highest among the groups gnomAD compares: Non-Finnish European, 0.0016%; no homozygotes.

Submissions (3):

Myriad Genetics, Inc.
Classification: Uncertain significance for Congenital adrenal insufficiency with 46, XY sex reversal OR 46,XY disorder of sex development-adrenal insufficiency due to CYP11A1 deficiency. Last evaluated: 2026-04-20. Review status: criteria provided, single submitter. Criteria: Myriad Autosomal Dominant, Autosomal Recessive and X-Linked Classification Criteria (2023). Collection method: clinical testing. Allele origin: unknown.
Comment: NM_000781.2(CYP11A1):c.1378C>T(R460W) is a missense variant classified as a variant of uncertain significance in the context of congenital adrenal hyperplasia, CYP11A1-related. R460W has been observed in a case with relevant disease (PMID: 30620006). Relevant functional assessments of this variant are available in the literature (PMID: 30620006). R460W has been observed in referenced population frequency databases. In summary, there is insufficient evidence to classify NM_000781.2(CYP11A1):c.1378C>T(R460W) as pathogenic or benign. Please note: this variant was assessed in the context of healthy population screening.

Fulgent Genetics
Classification: Likely pathogenic for Congenital adrenal insufficiency with 46, XY sex reversal OR 46,XY disorder of sex development-adrenal insufficiency due to CYP11A1 deficiency. Last evaluated: 2024-05-25. Review status: criteria provided, single submitter. Criteria: ACMG Guidelines, 2015. Collection method: clinical testing. Allele origin: germline.

Labcorp Genetics (formerly Invitae), Labcorp
Classification: Likely pathogenic. Last evaluated: 2023-05-16. Review status: criteria provided, single submitter. Criteria: Invitae Variant Classification Sherloc (09022015). Collection method: clinical testing. Allele origin: germline.
Comment: In summary, the currently available evidence indicates that the variant is pathogenic, but additional data are needed to prove that conclusively. Therefore, this variant has been classified as Likely Pathogenic. Experimental studies have shown that this missense change affects CYP11A1 function (PMID: 30620006). Advanced modeling of protein sequence and biophysical properties (such as structural, functional, and spatial information, amino acid conservation, physicochemical variation, residue mobility, and thermodynamic stability) performed at Invitae indicates that this missense variant is expected to disrupt CYP11A1 protein function. This missense change has been observed in individual(s) with primary adrenal insufficiency (PMID: 30620006). In at least one individual the data is consistent with being in trans (on the opposite chromosome) from a pathogenic variant. This variant is present in population databases (rs535782968, gnomAD 0.01%). This sequence change replaces arginine, which is basic and polar, with tryptophan, which is neutral and slightly polar, at codon 460 of the CYP11A1 protein (p.Arg460Trp).

Literature cited by the submitters: PubMed 30620006 (cited by Myriad Genetics, Inc. and Labcorp Genetics (formerly Invitae), Labcorp).